The following is an entry in ClinVar:

NM_183050.4(BCKDHB):c.415_416del (p.Thr139fs)

Gene: BCKDHB (branched chain keto acid dehydrogenase E1 subunit beta; plus strand). Cytogenetic location: 6q14.1.
Variant type: Deletion.
Coding change: c.415_416del on transcript NM_183050.4 (MANE Select); coding-DNA positions 415 to 416, 2 bases deleted (AC; older notation c.415_416delAC).
Protein change: p.Thr139fs; shifts the reading frame from threonine 139.
Molecular consequence: frameshift variant. On other transcripts: non-coding transcript variant (1).
Genome position (GRCh38, 1-based): chr6:80,167,749-80,167,750, AC deleted; deleting any 2 consecutive bases within chr6:80,167,748-80,167,750 gives the same sequence; the c. name uses the placement nearest the transcript's 3' end. VCF-style (leftmost placement, unchanged base first): chr6-80167747-TCA-T. GRCh37 (hg19) VCF-style: chr6-80877464-TCA-T.
Other names: c.415_416del, p.Thr139fs (NM_000056.5); c.205_206del, p.Thr69fs (NM_001318975.1); short protein forms T139fs, T69fs.
Identifiers: ClinVar variation 1723924 (VCV001723924.2), dbSNP rs2481883298, ClinGen allele CA2580075904.

ClinVar aggregate classification (germline): Likely pathogenic (1 of 4 stars; one submission).

Conditions:
Maple syrup urine disease (MSUD). Identifiers: Orphanet 511, MedGen C0024776, MeSH D008375, MONDO:0009563. Disease mechanism: loss of function.

Submission:

Myriad Genetics, Inc.
Classification: Likely pathogenic for Maple syrup urine disease type 1A. Last evaluated: 2022-01-09. Review status: criteria provided, single submitter. Criteria: Myriad Women's Health Autosomal Recessive and X-Linked Classification Criteria (2021). Collection method: clinical testing. Allele origin: unknown.
Comment: NM_183050.2(BCKDHB):c.415_416delAC(T139Wfs*19) is expected to be pathogenic in the context of maple syrup urine disease type Ib. This variant is predicted to lead to an abnormal or absent protein product due to the creation of a premature termination codon in BCKDHB, a gene where loss-of-function variants are known to be pathogenic. Please note: this variant was assessed in the context of healthy population screening.